The following is an entry in ClinVar:

ClinVar aggregate classification (germline): Conflicting classifications of pathogenicity. Review status: criteria provided, conflicting classifications (1 of 4 stars). 5 submissions from 4 submitters: Pathogenic (1); Likely pathogenic (1); Uncertain significance (3). Last evaluated 2024-07-12.

Conditions:
Optic atrophy 12. Also called: Optic Atrophy Type 12 (OPA12). Identifiers: MedGen C5436534, MONDO:0033549, OMIM 618977.
AFG3L2-related disorder. Also called: AFG3L2-related condition.
Glycogen storage disease type III (GSD3). Also called: FORBES DISEASE; Cori disease. Identifiers: Orphanet 366, MedGen C0017922, MONDO:0009291, OMIM 232400.
Spastic ataxia 5. Also called: Spastic Ataxia Type 5 (SPAX5). Identifiers: Orphanet 313772, MedGen C3280977, MONDO:0013776, OMIM 614487.

Allele frequency attached by ClinVar (database versions not stated): gnomAD exomes below 0.00001; ExAC 0.00001.
gnomAD v4.1: 7 of 1,614,176 alleles (0.00043%); highest among the groups gnomAD compares: Non-Finnish European, 0.00051%; no homozygotes.

Submissions (5):

Women's Health and Genetics/Laboratory Corporation of America, LabCorp
Classification: Pathogenic for Spastic ataxia 5. Last evaluated: 2024-07-12. Review status: criteria provided, single submitter. Criteria: LabCorp Variant Classification Summary - May 2015. Collection method: clinical testing. Allele origin: germline.
Comment: Variant summary: AFG3L2 c.1714G>A (p.Ala572Thr) results in a non-conservative amino acid change located in the Peptidase M41 domain of the encoded protein sequence. Five of five in-silico tools predict a damaging effect of the variant on protein function. The variant allele was found at a frequency of 4e-06 in 251476 control chromosomes. c.1714G>A has been reported in the literature in multiple homozygous individuals from a large consanguineous family of Saudi ancestry affected with progressive microcephaly, intractable epilepsy, spasticity, and failure to thrive (e.g. Eskandrani_2017, Alfares_2017). These data indicate that the variant is very likely to be associated with disease. At least one publication reports experimental evidence suggesting the variant results in decreased protein degradation activity, a moderate defect in ATP hydrolysis, and reduces peptide cleavage rates, but does not allow strong conclusions about the variant effect (Puchades_2020). The following publications have been ascertained in the context of this evaluation (PMID: 31327635, 28454995, 28449981). ClinVar contains an entry for this variant (Variation ID: 2664732). Based on the evidence outlined above, the variant was classified as pathogenic.

Genomic Medicine Center of Excellence, King Faisal Specialist Hospital and Research Centre
Classification: Uncertain significance for Glycogen storage disease type III. Last evaluated: 2024-03-22. Review status: criteria provided, single submitter. Criteria: ACMG Guidelines, 2015. Collection method: research. Allele origin: germline.

Genomic Medicine Center of Excellence, King Faisal Specialist Hospital and Research Centre
Classification: Uncertain significance for Optic atrophy 12. Last evaluated: 2024-03-17. Review status: criteria provided, single submitter. Criteria: ACMG Guidelines, 2015. Collection method: research. Allele origin: germline.

Genetics and Molecular Pathology, SA Pathology
Classification: Uncertain significance for Spastic ataxia 5. Last evaluated: 2021-06-25. Review status: criteria provided, single submitter. Criteria: ACMG Guidelines, 2015. Collection method: clinical testing. Allele origin: germline. Affected: yes.
Comment: The AFG3L2 c.1714G>A variant is classified as a VARIANT OF UNCERTAIN SIGNIFICANCE (PM2, PP3) This varinat is a single nucleotide change from a guanine to an adenine at position 1714 which is predicted to change the Alanine at position 572 in the protein to Threonine. This variant is in exon 14 and is located in protein domains of the AFG3L2 gene. This variant is in dbSNP (rs562861748) but is rare in population databases (gnomAD 1/251476, 0 homozygote) (PM2). This variant has been reported in HGMD as damaging (Accession: CM177531) but is absent in ClinVar. Computational predictions support a deleterious effect on the gene or gene product (PP3).

Blueprint Genetics
Classification: Likely pathogenic for AFG3L2-related disorders. Last evaluated: 2017-07-14. Review status: criteria provided, single submitter. Criteria: ACMG Guidelines, 2015. Collection method: clinical testing. Allele origin: germline. Affected: yes. Observed: 1 variant allele.

Literature cited by the submitters: PubMed 28454995 (cited by Women's Health and Genetics/Laboratory Corporation of America, LabCorp); PubMed 28449981 (cited by Women's Health and Genetics/Laboratory Corporation of America, LabCorp); PubMed 31327635 (cited by Women's Health and Genetics/Laboratory Corporation of America, LabCorp).

NM_006796.3(AFG3L2):c.1714G>A (p.Ala572Thr)

Gene: AFG3L2 (AFG3 like matrix AAA peptidase subunit 2; minus strand). Cytogenetic location: 18p11.21.
Variant type: single nucleotide variant.
Coding change: c.1714G>A on transcript NM_006796.3 (MANE Select); coding-DNA position 1714, G replaced by A.
Protein change: p.Ala572Thr; replaces alanine 572 with threonine.
Molecular consequence: missense variant.
Genome position (GRCh38, 1-based): chr18:12,344,197, C>T on the plus strand (G>A on the coding strand, the complement: AFG3L2 is on the minus strand). VCF-style: chr18-12344197-C-T. GRCh37 (hg19) VCF-style: chr18-12344196-C-T.
Other names: short protein forms A572T.
Identifiers: ClinVar variation 2664732 (VCV002664732.6), dbSNP rs562861748, ClinGen allele CA8896420.